The following is an entry in ClinVar:

ClinVar aggregate classification (germline): Uncertain significance. Review status: criteria provided, multiple submitters, no conflicts (2 of 4 stars). 2 submissions from 2 submitters: Uncertain significance (2). Last evaluated 2024-01-04.

Conditions:
Familial infantile myasthenia (CMS6). Also called: Congenital myasthenic syndrome type 6; MYASTHENIC SYNDROME, PRESYNAPTIC, CONGENITAL, ASSOCIATED WITH EPISODIC APNEA; MYASTHENIC SYNDROME, CONGENITAL, 6, PRESYNAPTIC. Identifiers: Orphanet 590, MedGen C0393929, MONDO:0009689, OMIM 254210.
Inborn genetic diseases. Identifiers: MedGen C0950123, MeSH D030342.

Allele frequency attached by ClinVar (database versions not stated): gnomAD exomes below 0.00001 and 0.00001; ExAC 0.00001; gnomAD 0.00003 and 0.00004; TOPMed 0.00004.
gnomAD v4.1: 11 of 1,608,948 alleles (0.00068%); highest among the groups gnomAD compares: South Asian, 0.0055%; no homozygotes.

Submissions (2):

Ambry Genetics
Classification: Uncertain significance for Inborn genetic diseases. Last evaluated: 2024-01-04. Review status: criteria provided, single submitter. Criteria: Ambry Variant Classification Scheme 2023. Collection method: clinical testing. Allele origin: germline.

Labcorp Genetics (formerly Invitae), Labcorp
Classification: Uncertain significance for Familial infantile myasthenia. Last evaluated: 2022-06-26. Review status: criteria provided, single submitter. Criteria: Invitae Variant Classification Sherloc (09022015). Collection method: clinical testing. Allele origin: germline.
Comment: This sequence change replaces serine, which is neutral and polar, with asparagine, which is neutral and polar, at codon 125 of the CHAT protein (p.Ser125Asn). The frequency data for this variant in the population databases is considered unreliable, as metrics indicate poor data quality at this position in the gnomAD database. This variant has not been reported in the literature in individuals affected with CHAT-related conditions. ClinVar contains an entry for this variant (Variation ID: 857247). Advanced modeling of protein sequence and biophysical properties (such as structural, functional, and spatial information, amino acid conservation, physicochemical variation, residue mobility, and thermodynamic stability) performed at Invitae indicates that this missense variant is not expected to disrupt CHAT protein function. In summary, the available evidence is currently insufficient to determine the role of this variant in disease. Therefore, it has been classified as a Variant of Uncertain Significance.

NM_020549.5(CHAT):c.374G>A (p.Ser125Asn)

Gene: CHAT (choline O-acetyltransferase; plus strand). Cytogenetic location: 10q11.23.
Variant type: single nucleotide variant.
Coding change: c.374G>A on transcript NM_020549.5 (MANE Select); coding-DNA position 374, G replaced by A.
Protein change: p.Ser125Asn; replaces serine 125 with asparagine.
Molecular consequence: missense variant.
Genome position (GRCh38, 1-based): chr10:49,616,589, G>A. VCF-style: chr10-49616589-G-A. GRCh37 (hg19) VCF-style: chr10-50824635-G-A.
Other names: c.20G>A, p.Ser7Asn (NM_001142929.2, NM_001142934.2, NM_020984.4 and 2 more transcripts); c.128G>A, p.Ser43Asn (NM_001142933.2); short protein forms S125N, S43N, S7N.
Identifiers: ClinVar variation 857247 (VCV000857247.7), dbSNP rs756138129, ClinGen allele CA5497099.